The following is an entry in ClinVar:

ClinVar aggregate classification (germline): Uncertain significance (1 of 4 stars; one submission).

Conditions:
Wilms tumor 1 (WT1). Also called: Wilms tumor, somatic. Identifiers: Orphanet 654, MedGen CN033288, MONDO:0008679, OMIM 194070.
Frasier syndrome. Identifiers: Orphanet 347, MedGen C0950122, MeSH D052159, MONDO:0007635, OMIM 136680.
Drash syndrome (DDS). Also called: NEPHROPATHY, WILMS TUMOR, AND GENITAL ANOMALIES; WILMS TUMOR AND PSEUDO- OR TRUE HERMAPHRODITISM. Identifiers: Orphanet 220, MedGen C0950121, MONDO:0008682, OMIM 194080.
11p partial monosomy syndrome (WAGR). Also called: CHROMOSOME 11p13 DELETION SYNDROME; WAGR syndrome; WAGR Complex; WAGR Spectrum Disorder. Identifiers: Orphanet 893, MedGen C0206115, MONDO:0008681, OMIM 194072.

Submission:

Labcorp Genetics (formerly Invitae), Labcorp
Classification: Uncertain significance for Wilms tumor 1; Drash syndrome; 11p partial monosomy syndrome; Frasier syndrome. Last evaluated: 2025-02-17. Review status: criteria provided, single submitter. Criteria: Invitae Variant Classification Sherloc (09022015). Collection method: clinical testing. Allele origin: germline.
Comment: This sequence change replaces proline, which is neutral and non-polar, with leucine, which is neutral and non-polar, at codon 144 of the WT1 protein (p.Pro144Leu). This variant is not present in population databases (gnomAD no frequency). This variant has not been reported in the literature in individuals affected with WT1-related conditions. Invitae Evidence Modeling of protein sequence and biophysical properties (such as structural, functional, and spatial information, amino acid conservation, physicochemical variation, residue mobility, and thermodynamic stability) indicates that this missense variant is expected to disrupt WT1 protein function with a positive predictive value of 80%. In summary, the available evidence is currently insufficient to determine the role of this variant in disease. Therefore, it has been classified as a Variant of Uncertain Significance.

NM_024426.6(WT1):c.446C>T (p.Pro149Leu)

Genes: WT1 (WT1 transcription factor; minus strand), LOC107982234 (WT1/WT1-AS bi-directional promoter region; plus strand). Cytogenetic location: 11p13.
Variant type: single nucleotide variant.
Coding change: c.446C>T on transcript NM_024426.6 (MANE Select); coding-DNA position 446, C replaced by T.
Protein change: p.Pro149Leu; replaces proline 149 with leucine.
Molecular consequence: missense variant. On other transcripts: non-coding transcript variant (2).
Genome position (GRCh38, 1-based): chr11:32,434,915, G>A on the plus strand (C>T on the coding strand, the complement: WT1 is on the minus strand). VCF-style: chr11-32434915-G-A. GRCh37 (hg19) VCF-style: chr11-32456461-G-A.
Other names: c.446C>T, p.Pro149Leu (NM_000378.6, NM_001407044.1, NM_001407045.1 and 6 more transcripts); c.227C>T, p.Pro76Leu (NM_001429031.1, NM_001429032.1, NM_001429033.1 and 1 more transcripts); short protein forms P149L, P76L, P144L.
Identifiers: ClinVar variation 4792713 (VCV004792713.1).